The following is an entry in ClinVar:

NM_000996.4(RPL35A):c.202A>G (p.Arg68Gly)

Genes: DRC9 (dynein regulatory complex subunit 9; minus strand), RPL35A (ribosomal protein L35a; plus strand). Cytogenetic location: 3q29.
Variant type: single nucleotide variant.
Coding change: c.202A>G on transcript NM_000996.4 (MANE Select); coding-DNA position 202, A replaced by G.
Protein change: p.Arg68Gly; replaces arginine 68 with glycine.
Molecular consequence: missense variant. On other transcripts: intron variant (3).
Genome position (GRCh38, 1-based): chr3:197,954,040, A>G. VCF-style: chr3-197954040-A-G. GRCh37 (hg19) VCF-style: chr3-197680911-A-G.
Other names: c.202A>G, p.Arg68Gly (NM_001316311.2); c.-50+5489T>C (NM_001323028.2); c.-60+5489T>C (NM_032263.5); c.-375+5489T>C (NM_001323029.2); short protein forms R68G.
Identifiers: ClinVar variation 3007620 (VCV003007620.3), dbSNP rs2530431288, ClinGen allele CA355884546.

ClinVar aggregate classification (germline): Uncertain significance (1 of 4 stars; one submission).

Conditions:
Diamond-Blackfan anemia 5 (DBA5). Also called: RPL35A-Related Diamond-Blackfan Anemia. Identifiers: Orphanet 124, MedGen C2675859, MONDO:0012925, OMIM 612528.

Submission:

Labcorp Genetics (formerly Invitae), Labcorp
Classification: Uncertain significance for Diamond-Blackfan anemia 5. Last evaluated: 2023-12-18. Review status: criteria provided, single submitter. Criteria: Invitae Variant Classification Sherloc (09022015). Collection method: clinical testing. Allele origin: germline.
Comment: This sequence change replaces arginine, which is basic and polar, with glycine, which is neutral and non-polar, at codon 68 of the RPL35A protein (p.Arg68Gly). This variant is not present in population databases (gnomAD no frequency). This variant has not been reported in the literature in individuals affected with RPL35A-related conditions. An algorithm developed to predict the effect of missense changes on protein structure and function (PolyPhen-2) suggests that this variant is likely to be tolerated. In summary, the available evidence is currently insufficient to determine the role of this variant in disease. Therefore, it has been classified as a Variant of Uncertain Significance.